The following is an entry in ClinVar:

NM_207111.4(RNF216):c.1717C>T (p.Arg573Cys)

Gene: RNF216 (ring finger protein 216; minus strand). Cytogenetic location: 7p22.1.
Variant type: single nucleotide variant.
Coding change: c.1717C>T on transcript NM_207111.4 (MANE Select); coding-DNA position 1717, C replaced by T.
Protein change: p.Arg573Cys; replaces arginine 573 with cysteine.
Molecular consequence: missense variant.
Genome position (GRCh38, 1-based): chr7:5,715,169, G>A on the plus strand (C>T on the coding strand, the complement: RNF216 is on the minus strand). VCF-style: chr7-5715169-G-A. GRCh37 (hg19) VCF-style: chr7-5754800-G-A.
Other names: c.1717C>T (NM_207111.3); c.1546C>T, p.Arg516Cys (NM_001377156.1, NM_207116.3); short protein forms R573C, R516C.
Identifiers: ClinVar variation 1407791 (VCV001407791.33), dbSNP rs147871230, ClinGen allele CA4148072.

ClinVar aggregate classification (germline): Conflicting classifications of pathogenicity. Review status: criteria provided, conflicting classifications (1 of 4 stars). 5 submissions from 5 submitters: Uncertain significance (4); Likely benign (1). Last evaluated 2026-09-01.

Conditions:
Cerebellar ataxia-hypogonadism syndrome. Also called: Gordon Holmes syndrome; CEREBELLAR ATAXIA AND HYPOGONADOTROPIC HYPOGONADISM; Luteinizing hormone releasing hormone, deficiency of with ataxia; Cerebellar ataxia hypogonadotropic hypogonadism; LHRH DEFICIENCY AND ATAXIA. Identifiers: Orphanet 1173, MedGen C1859305, MONDO:0008935, OMIM 212840.

Allele frequency attached by ClinVar (database versions not stated): ESP Exome Variant Server 0.00023; gnomAD exomes 0.00028; ExAC 0.00031; TOPMed 0.00031.
gnomAD v4.1: 454 of 1,613,192 alleles (0.028%); highest among the groups gnomAD compares: Non-Finnish European, 0.037%; no homozygotes.

Submissions (5):

CeGaT Center for Human Genetics Tuebingen
Classification: Uncertain significance. Last evaluated: 2026-09-01. Review status: criteria provided, single submitter. Criteria: CeGaT Center For Human Genetics Tuebingen Variant Classification Criteria Version 2. Collection method: clinical testing. Allele origin: germline. Affected: yes. Observed: 2 variant alleles.
Comment: RNF216: PM2

Labcorp Genetics (formerly Invitae), Labcorp
Classification: Uncertain significance. Last evaluated: 2025-12-15. Review status: criteria provided, single submitter. Criteria: Invitae Variant Classification Sherloc (09022015). Collection method: clinical testing. Allele origin: germline.
Comment: This sequence change replaces arginine, which is basic and polar, with cysteine, which is neutral and slightly polar, at codon 573 of the RNF216 protein (p.Arg573Cys). This variant is present in population databases (rs147871230, gnomAD 0.07%). This variant has not been reported in the literature in individuals affected with RNF216-related conditions. ClinVar contains an entry for this variant (Variation ID: 1407791). An algorithm developed to predict the effect of missense changes on protein structure and function (PolyPhen-2) suggests that this variant is likely to be disruptive. In summary, the available evidence is currently insufficient to determine the role of this variant in disease. Therefore, it has been classified as a Variant of Uncertain Significance.

Blueprint Genetics
Classification: Uncertain significance. Last evaluated: 2024-10-25. Review status: criteria provided, single submitter. Criteria: ACMG Guidelines, 2015. Collection method: clinical testing. Allele origin: germline.

3billion
Classification: Likely benign for Cerebellar ataxia-hypogonadism syndrome. Last evaluated: 2024-09-20. Review status: criteria provided, single submitter. Criteria: ACMG Guidelines, 2015. Collection method: clinical testing. Allele origin: germline. Affected: no.
Comment: The homozygous variant was found in patients diagnosed with another variant in a different gene, with no symptoms related to the gene containing the homozygous variant.

GeneDx
Classification: Uncertain significance. Last evaluated: 2023-11-18. Review status: criteria provided, single submitter. Criteria: GeneDx Variant Classification Process June 2021. Collection method: clinical testing. Allele origin: germline. Affected: yes.
Comment: In silico analysis supports that this missense variant has a deleterious effect on protein structure/function; Has not been previously published as pathogenic or benign to our knowledge